The following is an entry in ClinVar:

NM_003477.3(PDHX):c.1231C>T (p.Gln411Ter)

Gene: PDHX (pyruvate dehydrogenase complex component X; plus strand). Cytogenetic location: 11p13.
Variant type: single nucleotide variant.
Coding change: c.1231C>T on transcript NM_003477.3 (MANE Select); coding-DNA position 1231, C replaced by T.
Protein change: p.Gln411Ter; replaces glutamine 411 with a stop codon.
Molecular consequence: nonsense.
Genome position (GRCh38, 1-based): chr11:34,992,363, C>T. VCF-style: chr11-34992363-C-T. GRCh37 (hg19) VCF-style: chr11-35013910-C-T.
Other names: c.1051C>T, p.Gln351Ter (NM_001135024.2); c.550C>T, p.Gln184Ter (NM_001166158.2); short protein forms Q411*, Q184*, Q351*.
Identifiers: ClinVar variation 2158386 (VCV002158386.8), dbSNP rs758020436, ClinGen allele CA320447.

ClinVar aggregate classification (germline): Pathogenic/Likely pathogenic. Review status: criteria provided, multiple submitters, no conflicts (2 of 4 stars). 4 submissions from 4 submitters: Pathogenic (2); Likely pathogenic (2). Last evaluated 2025-01-21.

Conditions:
PDHX-related disorder. Also called: PDHX-related condition.
PDHX-related disorders.
Pyruvate dehydrogenase E3-binding protein deficiency (PDHXD). Also called: Lacticacidemia due to PDX1 deficiency; PYRUVATE HYDROGENASE E3-BINDING PROTEIN DEFICIENCY; E3-Binding Protein (Component X) Deficiency; LACTIC ACIDEMIA DUE TO DEFECT IN LIPOYL-CONTAINING COMPONENT X OF THE PYRUVATE DEHYDROGENASE COMPLEX. Identifiers: Orphanet 255182, MedGen C1855553, MONDO:0009503, OMIM 245349.

Allele frequency attached by ClinVar (database versions not stated): ExAC 0.00001; gnomAD 0.00001; TOPMed 0.00001; gnomAD exomes 0.00006.
gnomAD v4.1: 80 of 1,587,000 alleles (0.005%); highest among the groups gnomAD compares: Non-Finnish European, 0.0068%; no homozygotes.

Submissions (4):

PreventionGenetics, part of Exact Sciences
Classification: Likely pathogenic for PDHX-related condition. Last evaluated: 2025-01-21. Review status: criteria provided, single submitter. Criteria: ACMG Guidelines, 2015. Collection method: clinical testing. Allele origin: germline.
Comment: The PDHX c.1231C>T variant is predicted to result in premature protein termination (p.Gln411*). To our knowledge, this variant has not been reported in the literature. This variant is located within the last 50 nucleotides of the penultimate exon of the PDHX gene and is therefore not expected to lead to nonsense-mediated mRNA decay (NMD). However, it is expected to lead to the loss of the last 90 amino acids of the PHDX protein and truncating variants downstream of this position have been reported as pathogenic (Barnerias et al. 2010. PubMed ID: 20002125; Brown et al. 2006. PubMed ID: 16904023). This variant is reported in 0.0023% of alleles in individuals of European (Non-Finnish) descent in gnomAD. Nonsense variants in PDHX are expected to be pathogenic. This variant is interpreted as likely pathogenic.

Women's Health and Genetics/Laboratory Corporation of America, LabCorp
Classification: Pathogenic for Pyruvate dehydrogenase E3-binding protein deficiency. Last evaluated: 2024-03-21. Review status: criteria provided, single submitter. Criteria: LabCorp Variant Classification Summary - May 2015. Collection method: clinical testing. Allele origin: germline.
Comment: Variant summary: PDHX c.1231C>T (p.Gln411X) results in a premature termination codon, predicted to cause a truncation of the encoded protein or absence of the protein. Variant(s) downstream of this position have been classified as pathogenic in ClinVar (CV ID 162202). The variant allele was found at a frequency of 8e-06 in 249826 control chromosomes (gnomAD). c.1231C>T has been reported in the literature in individuals affected with Leigh syndrome (example: Lim_2022). The following publication has been ascertained in the context of this evaluation (PMID: 34716721). ClinVar contains an entry for this variant (Variation ID: 2158386). Based on the evidence outlined above, the variant was classified as pathogenic.

Blueprint Genetics
Classification: Likely pathogenic for PDHX-related disorders. Last evaluated: 2023-10-18. Review status: criteria provided, single submitter. Criteria: ACMG Guidelines, 2015. Collection method: clinical testing. Allele origin: germline. Affected: yes. Observed: 2 variant alleles.

Labcorp Genetics (formerly Invitae), Labcorp
Classification: Pathogenic. Last evaluated: 2022-09-14. Review status: criteria provided, single submitter. Criteria: Invitae Variant Classification Sherloc (09022015). Collection method: clinical testing. Allele origin: germline.
Comment: For these reasons, this variant has been classified as Pathogenic. This variant disrupts a region of the PDHX protein in which other variant(s) (@p.Arg446*) have been determined to be pathogenic (PMID: 16904023, 25087164). This suggests that this is a clinically significant region of the protein, and that variants that disrupt it are likely to be disease-causing. This variant has not been reported in the literature in individuals affected with PDHX-related conditions. This variant is present in population databases (rs758020436, gnomAD 0.002%). This sequence change creates a premature translational stop signal (p.Gln411*) in the PDHX gene. While this is not anticipated to result in nonsense mediated decay, it is expected to disrupt the last 91 amino acid(s) of the PDHX protein.

Literature cited by the submitters: PubMed 34716721 (cited by Women's Health and Genetics/Laboratory Corporation of America, LabCorp); PubMed 16904023 (cited by Labcorp Genetics (formerly Invitae), Labcorp); PubMed 25087164 (cited by Labcorp Genetics (formerly Invitae), Labcorp).